The following is an entry in ClinVar:

ClinVar aggregate classification (germline): Uncertain significance (1 of 4 stars; one submission).

Submission:

Labcorp Genetics (formerly Invitae), Labcorp
Classification: Uncertain significance. Last evaluated: 2023-10-29. Review status: criteria provided, single submitter. Criteria: Invitae Variant Classification Sherloc (09022015). Collection method: clinical testing. Allele origin: germline.
Comment: This sequence change replaces aspartic acid, which is acidic and polar, with asparagine, which is neutral and polar, at codon 899 of the NEFH protein (p.Asp899Asn). This variant is not present in population databases (gnomAD no frequency). This variant has not been reported in the literature in individuals affected with NEFH-related conditions. Advanced modeling of protein sequence and biophysical properties (such as structural, functional, and spatial information, amino acid conservation, physicochemical variation, residue mobility, and thermodynamic stability) performed at Invitae indicates that this missense variant is not expected to disrupt NEFH protein function with a negative predictive value of 95%. In summary, the available evidence is currently insufficient to determine the role of this variant in disease. Therefore, it has been classified as a Variant of Uncertain Significance.

NM_021076.4(NEFH):c.2695G>A (p.Asp899Asn)

Gene: NEFH (neurofilament heavy chain; plus strand). Cytogenetic location: 22q12.2.
Variant type: single nucleotide variant.
Coding change: c.2695G>A on transcript NM_021076.4 (MANE Select); coding-DNA position 2695, G replaced by A.
Protein change: p.Asp899Asn; replaces aspartic acid 899 with asparagine.
Molecular consequence: missense variant.
Genome position (GRCh38, 1-based): chr22:29,490,335, G>A. VCF-style: chr22-29490335-G-A. GRCh37 (hg19) VCF-style: chr22-29886324-G-A.
Other names: short protein forms D899N.
Identifiers: ClinVar variation 2772642 (VCV002772642.3), dbSNP rs2517979444, ClinGen allele CA411138404.
Genomic context (GRCh38, chr22:29,490,335, plus strand): 5'-GAACCTGCTGTCGAAAAGCCCAAAGAATCCAAAGTTGAAGCCAAGAAGGAAGAGGCTGAA[G>A]ATAAGAAAAAAGTCCCCACCCCAGAGAAGGAGGCTCCTGCCAAGGTGGAGGTGAAGGAAG-3'
Protein context (NP_066554.2, residues 889-909): KVEAKKEEAE[Asp899Asn]KKKVPTPEKE